The following is an entry in ClinVar:

NM_001142800.2(EYS):c.4444G>A (p.Glu1482Lys)

Gene: EYS (EGF-like photoreceptor maintenance factor; minus strand). Cytogenetic location: 6q12.
Variant type: single nucleotide variant.
Coding change: c.4444G>A on transcript NM_001142800.2 (MANE Select); coding-DNA position 4444, G replaced by A.
Protein change: p.Glu1482Lys; replaces glutamic acid 1482 with lysine.
Molecular consequence: missense variant.
Genome position (GRCh38, 1-based): chr6:64,591,423, C>T on the plus strand (G>A on the coding strand, the complement: EYS is on the minus strand). VCF-style: chr6-64591423-C-T. GRCh37 (hg19) VCF-style: chr6-65301316-C-T.
Other names: c.4444G>A, p.Glu1482Lys (NM_001292009.2); short protein forms E1482K.
Identifiers: ClinVar variation 1473900 (VCV001473900.6), dbSNP rs1022693876, ClinGen allele CA140340945.

ClinVar aggregate classification (germline): Uncertain significance. Review status: criteria provided, multiple submitters, no conflicts (2 of 4 stars). 2 submissions from 2 submitters: Uncertain significance (2). Last evaluated 2022-03-10.

Allele frequency attached by ClinVar (database versions not stated): gnomAD 0.00002; TOPMed 0.00002; gnomAD exomes 0.00003 and 0.00004.
gnomAD v4.1: 38 of 1,551,202 alleles (0.0024%); highest among the groups gnomAD compares: African/African-American, 0.0041%; no homozygotes.

Submissions (2):

Labcorp Genetics (formerly Invitae), Labcorp
Classification: Uncertain significance. Last evaluated: 2022-03-10. Review status: criteria provided, single submitter. Criteria: Invitae Variant Classification Sherloc (09022015). Collection method: clinical testing. Allele origin: germline.
Comment: This sequence change replaces glutamic acid, which is acidic and polar, with lysine, which is basic and polar, at codon 1482 of the EYS protein (p.Glu1482Lys). This variant is present in population databases (no rsID available, gnomAD 0.008%). This variant has not been reported in the literature in individuals affected with EYS-related conditions. Algorithms developed to predict the effect of missense changes on protein structure and function (SIFT, PolyPhen-2, Align-GVGD) all suggest that this variant is likely to be tolerated. In summary, the available evidence is currently insufficient to determine the role of this variant in disease. Therefore, it has been classified as a Variant of Uncertain Significance.

Blueprint Genetics
Classification: Uncertain significance. Last evaluated: 2021-11-11. Review status: criteria provided, single submitter. Criteria: ACMG Guidelines, 2015. Collection method: clinical testing. Allele origin: germline.